The following is an entry in ClinVar:

NM_001023570.4(IQCB1):c.850A>G (p.Met284Val)

Gene: IQCB1 (IQ motif containing B1; minus strand). Cytogenetic location: 3q13.33.
Variant type: single nucleotide variant.
Coding change: c.850A>G on transcript NM_001023570.4 (MANE Select); coding-DNA position 850, A replaced by G.
Protein change: p.Met284Val; replaces methionine 284 with valine.
Molecular consequence: missense variant. On other transcripts: non-coding transcript variant (1), intron variant (1).
Genome position (GRCh38, 1-based): chr3:121,797,144, T>C on the plus strand (A>G on the coding strand, the complement: IQCB1 is on the minus strand). VCF-style: chr3-121797144-T-C. GRCh37 (hg19) VCF-style: chr3-121515991-T-C.
Other names: c.850A>G, p.Met284Val (NM_001319107.2); c.588-6929A>G (NM_001023571.4); short protein forms M284V.
Identifiers: ClinVar variation 1490063 (VCV001490063.4), dbSNP rs148569732, ClinGen allele CA2567297.

ClinVar aggregate classification (germline): Uncertain significance (1 of 4 stars; one submission).

Conditions:
Nephronophthisis. Also called: Juvenile Nephronophthisis. Identifiers: Orphanet 655, MedGen C0687120, MONDO:0019005, HP:0000090.

Allele frequency attached by ClinVar (database versions not stated): gnomAD 0.00001; ExAC 0.00002; gnomAD exomes 0.00002; ESP Exome Variant Server 0.00008.
gnomAD v4.1: 31 of 1,602,400 alleles (0.0019%); highest among the groups gnomAD compares: East Asian, 0.0045%; no homozygotes.

Submission:

Labcorp Genetics (formerly Invitae), Labcorp
Classification: Uncertain significance for Nephronophthisis. Last evaluated: 2022-08-05. Review status: criteria provided, single submitter. Criteria: Invitae Variant Classification Sherloc (09022015). Collection method: clinical testing. Allele origin: germline.
Comment: Algorithms developed to predict the effect of missense changes on protein structure and function (SIFT, PolyPhen-2, Align-GVGD) all suggest that this variant is likely to be tolerated. In summary, the available evidence is currently insufficient to determine the role of this variant in disease. Therefore, it has been classified as a Variant of Uncertain Significance. ClinVar contains an entry for this variant (Variation ID: 1490063). This variant has not been reported in the literature in individuals affected with IQCB1-related conditions. This variant is present in population databases (rs148569732, gnomAD 0.02%). This sequence change replaces methionine, which is neutral and non-polar, with valine, which is neutral and non-polar, at codon 284 of the IQCB1 protein (p.Met284Val).